The following is an entry in ClinVar:

NM_000053.4(ATP7B):c.3160A>G (p.Arg1054Gly)

Gene: ATP7B (ATPase copper transporting beta; minus strand). Cytogenetic location: 13q14.3.
Variant type: single nucleotide variant.
Coding change: c.3160A>G on transcript NM_000053.4 (MANE Select); coding-DNA position 3160, A replaced by G.
Protein change: p.Arg1054Gly; replaces arginine 1054 with glycine.
Molecular consequence: missense variant.
Genome position (GRCh38, 1-based): chr13:51,944,192, T>C on the plus strand (A>G on the coding strand, the complement: ATP7B is on the minus strand). VCF-style: chr13-51944192-T-C. GRCh37 (hg19) VCF-style: chr13-52518328-T-C.
Other names: c.3160A>G (NM_000053.3); c.2539A>G, p.Arg847Gly (NM_001005918.3); c.2827A>G, p.Arg943Gly (NM_001243182.2); c.2926A>G, p.Arg976Gly (NM_001330578.2); c.2908A>G, p.Arg970Gly (NM_001330579.2); short protein forms R847G, R970G, R1054G, R943G, R976G.
Identifiers: ClinVar variation 1521931 (VCV001521931.6), dbSNP rs377586515, ClinGen allele CA6988792.

ClinVar aggregate classification (germline): Uncertain significance. Review status: criteria provided, multiple submitters, no conflicts (2 of 4 stars). 2 submissions from 2 submitters: Uncertain significance (2). Last evaluated 2024-12-18.

Conditions:
Wilson disease (WND). Also called: Wilson's disease. Identifiers: Orphanet 905, MedGen C0019202, MONDO:0010200, OMIM 277900. Disease mechanism: loss of function.

gnomAD v4.1: 4 of 1,614,130 alleles (0.00025%); no homozygotes.

Submissions (2):

GeneDx
Classification: Uncertain significance. Last evaluated: 2024-12-18. Review status: criteria provided, single submitter. Criteria: GeneDx Variant Classification Process June 2021. Collection method: clinical testing. Allele origin: germline. Affected: yes.
Comment: Not observed at significant frequency in large population cohorts (gnomAD); In silico analysis supports that this missense variant has a deleterious effect on protein structure/function; Has not been previously published as pathogenic or benign to our knowledge

Labcorp Genetics (formerly Invitae), Labcorp
Classification: Uncertain significance for Wilson disease. Last evaluated: 2024-01-22. Review status: criteria provided, single submitter. Criteria: Invitae Variant Classification Sherloc (09022015). Collection method: clinical testing. Allele origin: germline.
Comment: This sequence change replaces arginine, which is basic and polar, with glycine, which is neutral and non-polar, at codon 1054 of the ATP7B protein (p.Arg1054Gly). This variant is present in population databases (rs377586515, gnomAD 0.006%). This variant has not been reported in the literature in individuals affected with ATP7B-related conditions. ClinVar contains an entry for this variant (Variation ID: 1521931). Advanced modeling of protein sequence and biophysical properties (such as structural, functional, and spatial information, amino acid conservation, physicochemical variation, residue mobility, and thermodynamic stability) performed at Invitae indicates that this missense variant is not expected to disrupt ATP7B protein function with a negative predictive value of 80%. In summary, the available evidence is currently insufficient to determine the role of this variant in disease. Therefore, it has been classified as a Variant of Uncertain Significance.